The following is an entry in ClinVar:

NM_015443.4(KANSL1):c.808del (p.Leu270fs)

Gene: KANSL1 (KAT8 regulatory NSL complex subunit 1). Cytogenetic location: 17q21.31.
Variant type: Deletion.
Coding change: c.808del on transcript NM_015443.4 (MANE Select); coding-DNA position 808, one base deleted.
Protein change: p.Leu270fs; shifts the reading frame from leucine 270.
Molecular consequence: frameshift variant.
Genome position: GRCh38 VCF-style: chr17-46171335-AG-A. GRCh37 (hg19) VCF-style: chr17-44248701-AG-A.
Other names: c.808del, p.Leu270fs (NM_001193465.2, NM_001193466.2, NM_001379198.1); short protein forms L270fs.
Identifiers: ClinVar variation 504263 (VCV000504263.2), dbSNP rs1555575489, ClinGen allele CA658798877.

ClinVar aggregate classification (germline): Pathogenic (1 of 4 stars; one submission).

Submission:

GeneDx
Classification: Pathogenic. Last evaluated: 2018-02-01. Review status: criteria provided, single submitter. Criteria: GeneDx Variant Classification (06012015). Collection method: clinical testing. Allele origin: germline. Affected: yes.
Comment: The c.808delC variant in the KANSL1 gene has not been reported previously as a pathogenic variant nor as a benign variant, to our knowledge. The c.808delC variant causes a frameshift starting with codon Leucine 270, changes this amino acid to a Cysteine residue, and creates a premature Stop codon at position 9 of the new reading frame, denoted p.Leu270CysfsX9. This variant is predicted to cause loss of normal protein function either through protein truncation or nonsense-mediated mRNA decay. The c.808delC variant is not observed in large population cohorts (Lek et al., 2016). We interpret c.808delC as a pathogenic variant.